The following is an entry in ClinVar:

ClinVar aggregate classification (germline): Uncertain significance (1 of 4 stars; one submission).

gnomAD v4.1: 1 of 1,613,858 alleles (0.000062%); highest among the groups gnomAD compares: South Asian, 0.0011%; no homozygotes.

Submission:

Labcorp Genetics (formerly Invitae), Labcorp
Classification: Uncertain significance. Last evaluated: 2022-08-09. Review status: criteria provided, single submitter. Criteria: Invitae Variant Classification Sherloc (09022015). Collection method: clinical testing. Allele origin: germline.
Comment: This sequence change replaces arginine, which is basic and polar, with glycine, which is neutral and non-polar, at codon 669 of the COL7A1 protein (p.Arg669Gly). This variant is not present in population databases (gnomAD no frequency). This variant has not been reported in the literature in individuals affected with COL7A1-related conditions. Algorithms developed to predict the effect of missense changes on protein structure and function are either unavailable or do not agree on the potential impact of this missense change (SIFT: "Tolerated"; PolyPhen-2: "Not Available"; Align-GVGD: "Class C0"). Algorithms developed to predict the effect of sequence changes on RNA splicing suggest that this variant may create or strengthen a splice site. In summary, the available evidence is currently insufficient to determine the role of this variant in disease. Therefore, it has been classified as a Variant of Uncertain Significance.

NM_000094.4(COL7A1):c.2005C>G (p.Arg669Gly)

Gene: COL7A1 (collagen type VII alpha 1 chain; minus strand). Cytogenetic location: 3p21.31.
Variant type: single nucleotide variant.
Coding change: c.2005C>G on transcript NM_000094.4 (MANE Select); coding-DNA position 2005, C replaced by G.
Protein change: p.Arg669Gly; replaces arginine 669 with glycine.
Molecular consequence: missense variant.
Genome position (GRCh38, 1-based): chr3:48,590,258, G>C on the plus strand (C>G on the coding strand, the complement: COL7A1 is on the minus strand). VCF-style: chr3-48590258-G-C. GRCh37 (hg19) VCF-style: chr3-48627691-G-C.
Other names: short protein forms R669G.
Identifiers: ClinVar variation 2116419 (VCV002116419.1), dbSNP rs780261665, ClinGen allele CA352726456.